The following is an entry in ClinVar:

NM_031471.6(FERMT3):c.1426C>T (p.Gln476Ter)

Gene: FERMT3 (FERM domain containing kindlin 3; plus strand). Cytogenetic location: 11q13.1.
Variant type: single nucleotide variant.
Coding change: c.1426C>T on transcript NM_031471.6 (MANE Select); coding-DNA position 1426, C replaced by T.
Protein change: p.Gln476Ter; replaces glutamine 476 with a stop codon.
Molecular consequence: nonsense.
Genome position (GRCh38, 1-based): chr11:64,220,550, C>T. VCF-style: chr11-64220550-C-T. GRCh37 (hg19) VCF-style: chr11-63988022-C-T.
Other names: c.1426C>T, p.Gln476Ter (NM_001382361.1, NM_001382448.1); c.1438C>T, p.Gln480Ter (NM_001382362.1, NM_178443.3); c.886C>T, p.Gln296Ter (NM_001382363.1); c.898C>T, p.Gln300Ter (NM_001382364.1); short protein forms Q296*, Q300*, Q480*, Q476*.
Identifiers: ClinVar variation 3721047 (VCV003721047.2).

ClinVar aggregate classification (germline): Pathogenic (1 of 4 stars; one submission).

Conditions:
Leukocyte adhesion deficiency 3. Also called: INTEGRIN ACTIVATION DEFICIENCY DISEASE; LEUKOCYTE ADHESION DEFICIENCY 1 VARIANT; Leukocyte adhesion deficiency, type III. Identifiers: Orphanet 2968, Orphanet 99844, MedGen C2748536, MONDO:0013016, OMIM 612840.

Submission:

Labcorp Genetics (formerly Invitae), Labcorp
Classification: Pathogenic for Leukocyte adhesion deficiency 3. Last evaluated: 2025-02-01. Review status: criteria provided, single submitter. Criteria: Invitae Variant Classification Sherloc (09022015). Collection method: clinical testing. Allele origin: germline.
Comment: This sequence change creates a premature translational stop signal (p.Gln476*) in the FERMT3 gene. It is expected to result in an absent or disrupted protein product. Loss-of-function variants in FERMT3 are known to be pathogenic (PMID: 19064721, 19234463, 22134107). This variant is not present in population databases (gnomAD no frequency). This premature translational stop signal has been observed in individual(s) with leukocyte adhesion deficiency (PMID: 22139635). For these reasons, this variant has been classified as Pathogenic.

Literature cited by the submitters: PubMed 19064721; PubMed 19234463; PubMed 22134107; PubMed 22139635.